The following is an entry in ClinVar:

ClinVar aggregate classification (germline): Uncertain significance (1 of 4 stars; one submission).

gnomAD v4.1: 1 of 1,613,996 alleles (0.000062%); highest among the groups gnomAD compares: Non-Finnish European, 0.000085%; no homozygotes.

Submission:

Labcorp Genetics (formerly Invitae), Labcorp
Classification: Uncertain significance. Last evaluated: 2024-02-29. Review status: criteria provided, single submitter. Criteria: Invitae Variant Classification Sherloc (09022015). Collection method: clinical testing. Allele origin: germline.
Comment: This sequence change replaces alanine, which is neutral and non-polar, with threonine, which is neutral and polar, at codon 212 of the LRP5 protein (p.Ala212Thr). This variant is not present in population databases (gnomAD no frequency). This variant has not been reported in the literature in individuals affected with LRP5-related conditions. Advanced modeling of protein sequence and biophysical properties (such as structural, functional, and spatial information, amino acid conservation, physicochemical variation, residue mobility, and thermodynamic stability) has been performed at Invitae for this missense variant, however the output from this modeling did not meet the statistical confidence thresholds required to predict the impact of this variant on LRP5 protein function. In summary, the available evidence is currently insufficient to determine the role of this variant in disease. Therefore, it has been classified as a Variant of Uncertain Significance.

NM_002335.4(LRP5):c.634G>A (p.Ala212Thr)

Gene: LRP5 (LDL receptor related protein 5; plus strand). Cytogenetic location: 11q13.2.
Variant type: single nucleotide variant.
Coding change: c.634G>A on transcript NM_002335.4 (MANE Select); coding-DNA position 634, G replaced by A.
Protein change: p.Ala212Thr; replaces alanine 212 with threonine.
Molecular consequence: missense variant. On other transcripts: 5 prime UTR variant (1).
Genome position (GRCh38, 1-based): chr11:68,357,795, G>A. VCF-style: chr11-68357795-G-A. GRCh37 (hg19) VCF-style: chr11-68125263-G-A.
Other names: c.-1132G>A (NM_001291902.2); short protein forms A212T.
Identifiers: ClinVar variation 3701518 (VCV003701518.2).